The following is an entry in ClinVar:

NM_001384474.1(LOXHD1):c.2655G>A (p.Glu885=)

Gene: LOXHD1 (lipoxygenase homology PLAT domains 1; minus strand). Cytogenetic location: 18q21.1.
Variant type: single nucleotide variant.
Coding change: c.2655G>A on transcript NM_001384474.1 (MANE Select); coding-DNA position 2655, G replaced by A.
Protein change: p.Glu885=; no amino-acid change (glutamic acid 885 retained).
Molecular consequence: synonymous variant.
Genome position (GRCh38, 1-based): chr18:46,560,489, C>T on the plus strand (G>A on the coding strand, the complement: LOXHD1 is on the minus strand). VCF-style: chr18-46560489-C-T. GRCh37 (hg19) VCF-style: chr18-44140452-C-T.
Other names: c.2655G>A, p.Glu885= (NM_144612.7); c.2655G>A (NM_144612.6).
Identifiers: ClinVar variation 1153999 (VCV001153999.11), dbSNP rs371763582, ClinGen allele CA8952638.

ClinVar aggregate classification (germline): Likely benign. Review status: criteria provided, single submitter (1 of 4 stars). 2 submissions from 2 submitters: Likely benign (1). 1 of the submissions does not count toward it. Last evaluated 2026-01-03.

Conditions:
LOXHD1-related disorder. Also called: LOXHD1-related condition.

Allele frequency attached by ClinVar (database versions not stated): gnomAD exomes 0.00002; ExAC 0.00006; gnomAD 0.00017 and 0.00018; TOPMed 0.00018.
gnomAD v4.1: 33 of 1,538,680 alleles (0.0021%); highest among the groups gnomAD compares: African/African-American, 0.044%; no homozygotes.

Submissions (2):

Labcorp Genetics (formerly Invitae), Labcorp
Classification: Likely benign. Last evaluated: 2026-01-03. Review status: criteria provided, single submitter. Criteria: Invitae Variant Classification Sherloc (09022015). Collection method: clinical testing. Allele origin: germline.

PreventionGenetics, part of Exact Sciences
Classification: Likely benign for LOXHD1-related condition. Last evaluated: 2019-02-20. Review status: no assertion criteria provided. Collection method: clinical testing. Allele origin: germline. Not counted in ClinVar's aggregate classification.
Comment: This variant is classified as likely benign based on ACMG/AMP sequence variant interpretation guidelines (Richards et al. 2015 PMID: 25741868, with internal and published modifications).